The following is an entry in ClinVar:

NM_001972.4(ELANE):c.573G>C (p.Arg191Ser)

Gene: ELANE (elastase, neutrophil expressed; plus strand). Cytogenetic location: 19p13.3.
Variant type: single nucleotide variant.
Coding change: c.573G>C on transcript NM_001972.4 (MANE Select); coding-DNA position 573, G replaced by C.
Protein change: p.Arg191Ser; replaces arginine 191 with serine.
Molecular consequence: missense variant.
Genome position (GRCh38, 1-based): chr19:855,770, G>C. VCF-style: chr19-855770-G-C. GRCh37 (hg19) VCF-style: chr19-855770-G-C.
Other names: c.573G>C (LRG_57t1); short protein forms R191S.
Identifiers: ClinVar variation 242308 (VCV000242308.3), dbSNP rs754277797, ClinGen allele CA9026096.

ClinVar aggregate classification (germline): Uncertain significance (1 of 4 stars; one submission).

Allele frequency attached by ClinVar (database versions not stated): gnomAD below 0.00001 and 0.00001; gnomAD exomes below 0.00001 and 0.00001; TOPMed below 0.00001; ExAC 0.00001.
gnomAD v4.1: 8 of 1,608,886 alleles (0.0005%); highest among the groups gnomAD compares: South Asian, 0.0077%; no homozygotes.

Submission:

GeneDx
Classification: Uncertain significance. Last evaluated: 2023-01-10. Review status: criteria provided, single submitter. Criteria: GeneDx Variant Classification Process June 2021. Collection method: clinical testing. Allele origin: germline. Affected: yes.
Comment: In silico analysis supports that this missense variant does not alter protein structure/function; Splice predictors suggests this variant may impact gene splicing; in the absence of RNA/functional studies, the actual effect of this sequence change is unknown; Has not been previously published as pathogenic or benign to our knowledge; This variant is associated with the following publications: (PMID: 35047849)